The following is an entry in ClinVar:

ClinVar aggregate classification (germline): Uncertain significance. Review status: criteria provided, multiple submitters, no conflicts (2 of 4 stars). 2 submissions from 2 submitters: Uncertain significance (2). Last evaluated 2024-08-05.

Conditions:
Hyperkalemic periodic paralysis. Also called: Familial hyperkalemic periodic paralysis; Gamstorp disease. Identifiers: Orphanet 682, MedGen C0238357, MONDO:0008224, OMIM 170500, HP:0007215.

Submissions (2):

Labcorp Genetics (formerly Invitae), Labcorp
Classification: Uncertain significance for Hyperkalemic periodic paralysis. Last evaluated: 2024-08-05. Review status: criteria provided, single submitter. Criteria: Invitae Variant Classification Sherloc (09022015). Collection method: clinical testing. Allele origin: germline.
Comment: This sequence change replaces histidine, which is basic and polar, with aspartic acid, which is acidic and polar, at codon 553 of the SCN4A protein (p.His553Asp). This variant is not present in population databases (gnomAD no frequency). This variant has not been reported in the literature in individuals affected with SCN4A-related conditions. ClinVar contains an entry for this variant (Variation ID: 2435727). Advanced modeling of protein sequence and biophysical properties (such as structural, functional, and spatial information, amino acid conservation, physicochemical variation, residue mobility, and thermodynamic stability) performed at Invitae indicates that this missense variant is not expected to disrupt SCN4A protein function with a negative predictive value of 95%. In summary, the available evidence is currently insufficient to determine the role of this variant in disease. Therefore, it has been classified as a Variant of Uncertain Significance.

Revvity Omics, Revvity
Classification: Uncertain significance. Last evaluated: 2019-05-01. Review status: criteria provided, single submitter. Criteria: ACMG Guidelines, 2015. Collection method: clinical testing. Allele origin: germline.

NM_000334.4(SCN4A):c.1657C>G (p.His553Asp)

Gene: SCN4A (sodium voltage-gated channel alpha subunit 4; minus strand). Cytogenetic location: 17q23.3.
Variant type: single nucleotide variant.
Coding change: c.1657C>G on transcript NM_000334.4 (MANE Select); coding-DNA position 1657, C replaced by G.
Protein change: p.His553Asp; replaces histidine 553 with aspartic acid.
Molecular consequence: missense variant.
Genome position (GRCh38, 1-based): chr17:63,961,381, G>C on the plus strand (C>G on the coding strand, the complement: SCN4A is on the minus strand). VCF-style: chr17-63961381-G-C. GRCh37 (hg19) VCF-style: chr17-62038741-G-C.
Other names: short protein forms H553D.
Identifiers: ClinVar variation 2435727 (VCV002435727.5), dbSNP rs2509311075, ClinGen allele CA400633827.